The following is an entry in ClinVar:

NM_213655.5(WNK1):c.2171_2172insC (p.Pro725fs)

Gene: WNK1 (WNK lysine deficient protein kinase 1; plus strand). Cytogenetic location: 12p13.33.
Variant type: Insertion.
Coding change: c.2171_2172insC on transcript NM_213655.5 (MANE Plus Clinical); coding-DNA positions 2171 to 2172, C inserted.
Protein change: p.Pro725fs; shifts the reading frame from proline 725.
Molecular consequence: frameshift variant. On other transcripts: intron variant (3).
Genome position: GRCh38 VCF-style: chr12-865141-T-TC. GRCh37 (hg19) VCF-style: chr12-974307-T-TC.
Other names: c.2140-2725_2140-2724insC (NM_001184985.2); c.2139+2871_2139+2872insC (NM_018979.4, NM_014823.3); short protein forms P725fs.
Identifiers: ClinVar variation 1478197 (VCV001478197.8), dbSNP rs2154069013, ClinGen allele CA2573148497.

ClinVar aggregate classification (germline): Uncertain significance (1 of 4 stars; one submission).

Conditions:
Neuropathy, hereditary sensory and autonomic, type 2A (HSAN2A). Also called: ACROOSTEOLYSIS, GIACCAI TYPE; ACROOSTEOLYSIS, NEUROGENIC; MORVAN DISEASE; NEUROPATHY, CONGENITAL SENSORY; NEUROPATHY, HEREDITARY SENSORY RADICULAR, AUTOSOMAL RECESSIVE; NEUROPATHY, HEREDITARY SENSORY, TYPE IIA. Identifiers: Orphanet 970, MedGen C2752089, MONDO:0024309, OMIM 201300.
Pseudohypoaldosteronism type 2C (PHA2C). Also called: Pseudohypoaldosteronism Type IIC. Identifiers: Orphanet 757, Orphanet 88940, MedGen C1840391, MONDO:0013778, OMIM 614492.

Submission:

Labcorp Genetics (formerly Invitae), Labcorp
Classification: Uncertain significance for Neuropathy, hereditary sensory and autonomic, type 2A; Pseudohypoaldosteronism type 2C. Last evaluated: 2020-11-24. Review status: criteria provided, single submitter. Criteria: Invitae Variant Classification Sherloc (09022015). Collection method: clinical testing. Allele origin: germline.
Comment: In summary, the available evidence is currently insufficient to determine the role of this variant in disease. Therefore, it has been classified as a Variant of Uncertain Significance. Experimental studies and prediction algorithms are not available or were not evaluated, and the functional significance of this variant is currently unknown. This variant has not been reported in the literature in individuals with WNK1-related conditions. The frequency data for this variant in the population databases is considered unreliable, as metrics indicate insufficient coverage at this position in the ExAC database. This sequence change creates a premature translational stop signal (p.Pro725Serfs*46) in the WNK1 gene. However, it is currently unclear if variants that occur in this region of the gene cause disease.